The following is an entry in ClinVar:

NM_022489.4(INF2):c.3078C>T (p.Ser1026=)

Gene: INF2 (inverted formin 2; plus strand). Cytogenetic location: 14q32.33.
Variant type: single nucleotide variant.
Coding change: c.3078C>T on transcript NM_022489.4 (MANE Select); coding-DNA position 3078, C replaced by T.
Protein change: p.Ser1026=; no amino-acid change (serine 1026 retained).
Molecular consequence: synonymous variant.
Genome position (GRCh38, 1-based): chr14:104,714,240, C>T. VCF-style: chr14-104714240-C-T. GRCh37 (hg19) VCF-style: chr14-105180577-C-T.
Other names: p.Ser1026=; c.3078C>T, p.Ser1026= (NM_001031714.4).
Identifiers: ClinVar variation 312705 (VCV000312705.19), dbSNP rs377023270, ClinGen allele CA7373175.

ClinVar aggregate classification (germline): Benign/Likely benign. Review status: criteria provided, multiple submitters, no conflicts (2 of 4 stars). 6 submissions from 6 submitters: Benign (5); Likely benign (1). Last evaluated 2026-01-28.

Conditions:
Focal segmental glomerulosclerosis 5 (FSGS5). Identifiers: Orphanet 656, MedGen C2750475, MONDO:0013191, OMIM 613237.
Inborn genetic diseases. Identifiers: MedGen C0950123, MeSH D030342.
Charcot-Marie-Tooth disease dominant intermediate E. Also called: CHARCOT-MARIE-TOOTH NEUROPATHY WITH FOCAL SEGMENTAL GLOMERULONEPHRITIS. Identifiers: Orphanet 93114, MedGen C4302667, MONDO:0013758, OMIM 614455.

Allele frequency attached by ClinVar (database versions not stated): TOPMed 0.00309; 1000 Genomes Project 0.00459; 1000 Genomes Project 30x 0.00562; ExAC 0.00088; ESP Exome Variant Server 0.00212; gnomAD 0.00260 and 0.00272.

Submissions (6):

Labcorp Genetics (formerly Invitae), Labcorp
Classification: Benign for Charcot-Marie-Tooth disease dominant intermediate E; Focal segmental glomerulosclerosis 5. Last evaluated: 2026-01-28. Review status: criteria provided, single submitter. Criteria: Invitae Variant Classification Sherloc (09022015). Collection method: clinical testing. Allele origin: germline.

Mayo Clinic Laboratories, Mayo Clinic
Classification: Benign. Last evaluated: 2024-07-08. Review status: criteria provided, single submitter. Criteria: ACMG Guidelines, 2015. Collection method: clinical testing. Allele origin: germline. Observed: 6 variant alleles.
Comment: BA1, BP4, BP7

Ambry Genetics
Classification: Likely benign for Inborn genetic diseases. Last evaluated: 2019-07-11. Review status: criteria provided, single submitter. Criteria: Ambry Variant Classification Scheme 2023. Collection method: clinical testing. Allele origin: germline.

GeneDx
Classification: Benign. Last evaluated: 2018-01-31. Review status: criteria provided, single submitter. Criteria: GeneDx Variant Classification (06012015). Collection method: clinical testing. Allele origin: germline. Affected: yes.
Comment: This variant is considered likely benign or benign based on one or more of the following criteria: it is a conservative change, it occurs at a poorly conserved position in the protein, it is predicted to be benign by multiple in silico algorithms, and/or has population frequency not consistent with disease.

Illumina Laboratory Services, Illumina
Classification: Benign for Focal segmental glomerulosclerosis 5. Last evaluated: 2018-01-13. Review status: criteria provided, single submitter. Criteria: ICSL Variant Classification Criteria 13 December 2019. Collection method: clinical testing. Allele origin: germline.
Comment: This variant was observed in the ICSL laboratory as part of a predisposition screen in an ostensibly healthy population. It had not been previously curated by ICSL or reported in the Human Gene Mutation Database (HGMD: prior to June 1st, 2018), and was therefore a candidate for classification through an automated scoring system. Utilizing variant allele frequency, disease prevalence and penetrance estimates, and inheritance mode, an automated score was calculated to assess if this variant is too frequent to cause the disease. Based on the score and internal cut-off values, a variant classified as benign is not then subjected to further curation. The score for this variant resulted in a classification of benign for this disease.

Breakthrough Genomics
Classification: Benign. Review status: criteria provided, single submitter. Criteria: ACMG Guidelines, 2015. Collection method: not provided. Allele origin: germline. Inheritance: Autosomal dominant inheritance. Affected: yes.